The following is an entry in ClinVar:

ClinVar aggregate classification (germline): Uncertain significance. Review status: criteria provided, multiple submitters, no conflicts (2 of 4 stars). 2 submissions from 2 submitters: Uncertain significance (2). Last evaluated 2025-08-26.

Conditions:
Inborn genetic diseases. Identifiers: MedGen C0950123, MeSH D030342.

Allele frequency attached by ClinVar (database versions not stated): gnomAD 0.00001; gnomAD exomes 0.00002; TOPMed 0.00002.
gnomAD v4.1: 33 of 1,612,846 alleles (0.002%); highest among the groups gnomAD compares: Non-Finnish European, 0.0027%; no homozygotes.

Submissions (2):

Ambry Genetics
Classification: Uncertain significance for Inborn genetic diseases. Last evaluated: 2025-08-26. Review status: criteria provided, single submitter. Criteria: Ambry Variant Classification Scheme 2023. Collection method: clinical testing. Allele origin: germline.

Women's Health and Genetics/Laboratory Corporation of America, LabCorp
Classification: Uncertain significance. Last evaluated: 2023-08-21. Review status: criteria provided, single submitter. Criteria: LabCorp Variant Classification Summary - May 2015. Collection method: clinical testing. Allele origin: germline.
Comment: Variant summary: LYST c.18C>G (p.Asn6Lys) results in a non-conservative amino acid change in the encoded protein sequence. Five of five in-silico tools predict a damaging effect of the variant on protein function. The variant allele was found at a frequency of 2.8e-05 in 250212 control chromosomes (gnomAD). The available data on variant occurrences in the general population are insufficient to allow any conclusion about variant significance. To our knowledge, no occurrence of c.18C>G in individuals affected with Chediak-Higashi Syndrome and no experimental evidence demonstrating its impact on protein function have been reported. No submitters have cited clinical-significance assessments for this variant to ClinVar after 2014. Based on the evidence outlined above, the variant was classified as uncertain significance.

NM_000081.4(LYST):c.18C>G (p.Asn6Lys)

Gene: LYST (lysosomal trafficking regulator; minus strand). Cytogenetic location: 1q42.3.
Variant type: single nucleotide variant.
Coding change: c.18C>G on transcript NM_000081.4 (MANE Select); coding-DNA position 18, C replaced by G.
Protein change: p.Asn6Lys; replaces asparagine 6 with lysine.
Molecular consequence: missense variant. On other transcripts: non-coding transcript variant (1).
Genome position (GRCh38, 1-based): chr1:235,830,400, G>C on the plus strand (C>G on the coding strand, the complement: LYST is on the minus strand). VCF-style: chr1-235830400-G-C. GRCh37 (hg19) VCF-style: chr1-235993700-G-C.
Other names: c.18C>G, p.Asn6Lys (NM_001301365.1); c.18C>G (NM_000081.2); short protein forms N6K.
Identifiers: ClinVar variation 2581271 (VCV002581271.2), dbSNP rs563310448, ClinGen allele CA344969483.